The following is an entry in ClinVar:

NM_012463.4(ATP6V0A2):c.539T>C (p.Ile180Thr)

Gene: ATP6V0A2 (ATPase H+ transporting V0 subunit a2; plus strand). Cytogenetic location: 12q24.31.
Variant type: single nucleotide variant.
Coding change: c.539T>C on transcript NM_012463.4 (MANE Select); coding-DNA position 539, T replaced by C.
Protein change: p.Ile180Thr; replaces isoleucine 180 with threonine.
Molecular consequence: missense variant.
Genome position (GRCh38, 1-based): chr12:123,727,800, T>C. VCF-style: chr12-123727800-T-C. GRCh37 (hg19) VCF-style: chr12-124212347-T-C.
Other names: short protein forms I180T.
Identifiers: ClinVar variation 1190639 (VCV001190639.11), dbSNP rs754727464, ClinGen allele CA6861661.
Genomic context (GRCh38, chr12:123,727,800, plus strand): 5'-TATTGCTTTCAGTTGACTACAGGTTGACTTTACTGTCTCACAGATTTGTGTCTGGCCTAA[T>C]TAACCAAGGAAAAGTGGAAGCATTTGAAAAAATGTTGTGGAGAGTCTGCAAAGGGTACAC-3'
Protein context (NP_036595.2, residues 170-190): GAKLGFVSGL[Ile180Thr]NQGKVEAFEK

ClinVar aggregate classification (germline): Uncertain significance. Review status: criteria provided, multiple submitters, no conflicts (2 of 4 stars). 5 submissions from 5 submitters: Uncertain significance (5). Last evaluated 2025-11-18.

Conditions:
Cutis laxa with osteodystrophy (ARCL2A). Also called: CUTIS LAXA, AUTOSOMAL RECESSIVE, TYPE IIA; Autosomal recessive cutis laxa type 2A; CUTIS LAXA WITH BONE DYSTROPHY; CUTIS LAXA WITH GROWTH AND DEVELOPMENTAL DELAY; CUTIS LAXA WITH JOINT LAXITY AND RETARDED DEVELOPMENT; Debré-Type Cutis Laxa. Identifiers: Orphanet 357058, MedGen C0268355, MONDO:0018163, OMIM 219200. Disease mechanism: loss of function.
Inborn genetic diseases. Identifiers: MedGen C0950123, MeSH D030342.
ALG9 congenital disorder of glycosylation (CDG1L). Also called: CDG Il; ALG9-CDG; CONGENITAL DISORDER OF GLYCOSYLATION, TYPE Il. Identifiers: Orphanet 79328, MedGen C2931006, MONDO:0012117, OMIM 608776.
Wrinkly skin syndrome (WSS). Also called: Type of Gerodermia osteodysplastica. Identifiers: Orphanet 2834, MedGen C0406587, MONDO:0010208, OMIM 278250.

Allele frequency attached by ClinVar (database versions not stated): ExAC 0.00002; gnomAD exomes 0.00005 and 0.00023; TOPMed 0.00008; gnomAD 0.00012.
gnomAD v4.1: 338 of 1,614,024 alleles (0.021%); highest among the groups gnomAD compares: Non-Finnish European, 0.028%; 1 homozygote.

Submissions (5):

GeneDx
Classification: Uncertain significance. Last evaluated: 2025-11-18. Review status: criteria provided, single submitter. Criteria: GeneDx Variant Classification Process June 2021. Collection method: clinical testing. Allele origin: germline. Affected: yes.
Comment: Reported in a patient with a suspected connective tissue disorder, but no further information was provided such as zygosity, detailed clinical information, or familial segregation (PMID: 35903967); Not observed at significant frequency in large population cohorts (gnomAD); In silico analysis supports that this missense variant has a deleterious effect on protein structure/function; This variant is associated with the following publications: (PMID: 35903967)

Department of Pathology and Laboratory Medicine, Sinai Health System
Classification: Uncertain significance for autosomal recessive cutis laxa type 2A. Last evaluated: 2023-09-18. Review status: criteria provided, single submitter. Criteria: ACMG Guidelines, 2015. Collection method: research. Allele origin: germline.

Labcorp Genetics (formerly Invitae), Labcorp
Classification: Uncertain significance for ALG9 congenital disorder of glycosylation. Last evaluated: 2022-06-22. Review status: criteria provided, single submitter. Criteria: Invitae Variant Classification Sherloc (09022015). Collection method: clinical testing. Allele origin: germline.
Comment: This sequence change replaces isoleucine, which is neutral and non-polar, with threonine, which is neutral and polar, at codon 180 of the ATP6V0A2 protein (p.Ile180Thr). This variant is present in population databases (rs754727464, gnomAD 0.01%). This variant has not been reported in the literature in individuals affected with ATP6V0A2-related conditions. ClinVar contains an entry for this variant (Variation ID: 1190639). Algorithms developed to predict the effect of missense changes on protein structure and function (SIFT, PolyPhen-2, Align-GVGD) all suggest that this variant is likely to be disruptive. In summary, the available evidence is currently insufficient to determine the role of this variant in disease. Therefore, it has been classified as a Variant of Uncertain Significance.

Ambry Genetics
Classification: Uncertain significance for Inborn genetic diseases. Last evaluated: 2021-10-21. Review status: criteria provided, single submitter. Criteria: Ambry Variant Classification Scheme 2023. Collection method: clinical testing. Allele origin: germline.

Fulgent Genetics
Classification: Uncertain significance for Cutis laxa with osteodystrophy; Wrinkly skin syndrome. Last evaluated: 2021-09-15. Review status: criteria provided, single submitter. Criteria: ACMG Guidelines, 2015. Collection method: clinical testing. Allele origin: unknown.